The following is an entry in ClinVar:

ClinVar aggregate classification (germline): Uncertain significance. Review status: criteria provided, multiple submitters, no conflicts (2 of 4 stars). 2 submissions from 2 submitters: Uncertain significance (2). Last evaluated 2025-03-26.

Conditions:
Inborn genetic diseases. Identifiers: MedGen C0950123, MeSH D030342.

Allele frequency attached by ClinVar (database versions not stated): gnomAD 0.00001; TOPMed 0.00002.
gnomAD v4.1: 27 of 1,612,916 alleles (0.0017%); highest among the groups gnomAD compares: Admixed American, 0.0067%; no homozygotes.

Submissions (2):

Ambry Genetics
Classification: Uncertain significance for Inborn genetic diseases. Last evaluated: 2025-03-26. Review status: criteria provided, single submitter. Criteria: Ambry Variant Classification Scheme 2023. Collection method: clinical testing. Allele origin: germline.

Labcorp Genetics (formerly Invitae), Labcorp
Classification: Uncertain significance. Last evaluated: 2023-08-22. Review status: criteria provided, single submitter. Criteria: Invitae Variant Classification Sherloc (09022015). Collection method: clinical testing. Allele origin: germline.
Comment: This variant is present in population databases (no rsID available, gnomAD 0.006%). In summary, the available evidence is currently insufficient to determine the role of this variant in disease. Therefore, it has been classified as a Variant of Uncertain Significance. Advanced modeling of protein sequence and biophysical properties (such as structural, functional, and spatial information, amino acid conservation, physicochemical variation, residue mobility, and thermodynamic stability) performed at Invitae indicates that this missense variant is not expected to disrupt MTPAP protein function. This variant has not been reported in the literature in individuals affected with MTPAP-related conditions. This sequence change replaces threonine, which is neutral and polar, with alanine, which is neutral and non-polar, at codon 192 of the MTPAP protein (p.Thr192Ala).

NM_018109.4(MTPAP):c.574A>G (p.Thr192Ala)

Gene: MTPAP (mitochondrial poly(A) polymerase; minus strand). Cytogenetic location: 10p11.23.
Variant type: single nucleotide variant.
Coding change: c.574A>G on transcript NM_018109.4 (MANE Select); coding-DNA position 574, A replaced by G.
Protein change: p.Thr192Ala; replaces threonine 192 with alanine.
Molecular consequence: missense variant.
Genome position (GRCh38, 1-based): chr10:30,337,009, T>C on the plus strand (A>G on the coding strand, the complement: MTPAP is on the minus strand). VCF-style: chr10-30337009-T-C. GRCh37 (hg19) VCF-style: chr10-30625938-T-C.
Other names: c.574A>G (NM_018109.3); short protein forms T192A.
Identifiers: ClinVar variation 2971960 (VCV002971960.4), dbSNP rs925419119, ClinGen allele CA205281773.